The following is an entry in ClinVar:

NM_004984.4(KIF5A):c.2014C>A (p.Gln672Lys)

Gene: KIF5A (kinesin family member 5A; plus strand). Cytogenetic location: 12q13.3.
Variant type: single nucleotide variant.
Coding change: c.2014C>A on transcript NM_004984.4 (MANE Select); coding-DNA position 2014, C replaced by A.
Protein change: p.Gln672Lys; replaces glutamine 672 with lysine.
Molecular consequence: missense variant.
Genome position (GRCh38, 1-based): chr12:57,575,748, C>A. VCF-style: chr12-57575748-C-A. GRCh37 (hg19) VCF-style: chr12-57969531-C-A.
Other names: c.1747C>A, p.Gln583Lys (NM_001354705.2); short protein forms Q672K, Q583K.
Identifiers: ClinVar variation 3637616 (VCV003637616.2).

ClinVar aggregate classification (germline): Uncertain significance (1 of 4 stars; one submission).

Conditions:
Spastic paraplegia. Identifiers: MedGen C0037772, HP:0001258.

Submission:

Labcorp Genetics (formerly Invitae), Labcorp
Classification: Uncertain significance for Spastic paraplegia. Last evaluated: 2024-10-21. Review status: criteria provided, single submitter. Criteria: Invitae Variant Classification Sherloc (09022015). Collection method: clinical testing. Allele origin: germline.
Comment: This sequence change replaces glutamine, which is neutral and polar, with lysine, which is basic and polar, at codon 672 of the KIF5A protein (p.Gln672Lys). This variant is not present in population databases (gnomAD no frequency). This variant has not been reported in the literature in individuals affected with KIF5A-related conditions. Invitae Evidence Modeling of protein sequence and biophysical properties (such as structural, functional, and spatial information, amino acid conservation, physicochemical variation, residue mobility, and thermodynamic stability) indicates that this missense variant is not expected to disrupt KIF5A protein function with a negative predictive value of 95%. In summary, the available evidence is currently insufficient to determine the role of this variant in disease. Therefore, it has been classified as a Variant of Uncertain Significance.